The following is an entry in ClinVar:

NC_000017.10:g.(?_18217893)_(18218092_?)dup

Gene: TOP3A (DNA topoisomerase III alpha; minus strand). Cytogenetic location: 17p11.2.
Variant type: Duplication.
Identifiers: ClinVar variation 2425187 (VCV002425187.4).

ClinVar aggregate classification (germline): Uncertain significance (1 of 4 stars; one submission).

Submission:

Labcorp Genetics (formerly Invitae), Labcorp
Classification: Uncertain significance. Last evaluated: 2024-01-22. Review status: criteria provided, single submitter. Criteria: Invitae Variant Classification Sherloc (09022015). Collection method: clinical testing. Allele origin: germline.
Comment: This variant results in a copy number gain of the genomic region encompassing exon(s) 1 of the TOP3A gene. This region includes the initiator codon of the gene. This copy number gain extends beyond the assayed region for this gene and therefore may encompass additional genes. As the precise location of this event is unknown, it may be in tandem or it may be located elsewhere in the genome. This variant has not been reported in the literature in individuals affected with TOP3A-related conditions. Experimental studies and prediction algorithms are not available or were not evaluated, and the functional significance of this variant is currently unknown. In summary, the available evidence is currently insufficient to determine the role of this variant in disease. Therefore, it has been classified as a Variant of Uncertain Significance.